The following is an entry in ClinVar:

ClinVar aggregate classification (germline): Uncertain significance. Review status: criteria provided, multiple submitters, no conflicts (2 of 4 stars). 2 submissions from 2 submitters: Uncertain significance (2). Last evaluated 2026-05-19.

Conditions:
LBR-related disorder. Also called: LBR-related disorders; LBR-related condition.

Allele frequency attached by ClinVar (database versions not stated): ExAC 0.00002; gnomAD exomes 0.00001; TOPMed 0.00001.
gnomAD v4.1: 22 of 1,613,842 alleles (0.0014%); highest among the groups gnomAD compares: East Asian, 0.027%; no homozygotes.

Submissions (2):

PreventionGenetics, part of Exact Sciences
Classification: Uncertain significance for LBR-related condition. Last evaluated: 2026-05-19. Review status: criteria provided, single submitter. Criteria: ACMG Guidelines, 2015. Collection method: clinical testing. Allele origin: germline.
Comment: The LBR c.223C>T variant is predicted to result in the amino acid substitution p.Arg75Cys. To our knowledge, this variant has not been reported in the literature. This variant is reported in 0.0054% of alleles in individuals of East Asian descent in gnomAD. At this time, the clinical significance of this variant is uncertain due to the absence of conclusive functional and genetic evidence.

Labcorp Genetics (formerly Invitae), Labcorp
Classification: Uncertain significance. Last evaluated: 2024-07-08. Review status: criteria provided, single submitter. Criteria: Invitae Variant Classification Sherloc (09022015). Collection method: clinical testing. Allele origin: germline.
Comment: This sequence change replaces arginine, which is basic and polar, with cysteine, which is neutral and slightly polar, at codon 75 of the LBR protein (p.Arg75Cys). This variant is present in population databases (rs553554966, gnomAD 0.006%). This variant has not been reported in the literature in individuals affected with LBR-related conditions. ClinVar contains an entry for this variant (Variation ID: 1035077). Advanced modeling of protein sequence and biophysical properties (such as structural, functional, and spatial information, amino acid conservation, physicochemical variation, residue mobility, and thermodynamic stability) performed at Invitae indicates that this missense variant is expected to disrupt LBR protein function with a positive predictive value of 95%. Algorithms developed to predict the effect of sequence changes on RNA splicing suggest that this variant may create or strengthen a splice site. In summary, the available evidence is currently insufficient to determine the role of this variant in disease. Therefore, it has been classified as a Variant of Uncertain Significance.

NM_002296.4(LBR):c.223C>T (p.Arg75Cys)

Gene: LBR (lamin B receptor; minus strand). Cytogenetic location: 1q42.12.
Variant type: single nucleotide variant.
Coding change: c.223C>T on transcript NM_002296.4 (MANE Select); coding-DNA position 223, C replaced by T.
Protein change: p.Arg75Cys; replaces arginine 75 with cysteine.
Molecular consequence: missense variant.
Genome position (GRCh38, 1-based): chr1:225,422,220, G>A on the plus strand (C>T on the coding strand, the complement: LBR is on the minus strand). VCF-style: chr1-225422220-G-A. GRCh37 (hg19) VCF-style: chr1-225609922-G-A.
Other names: c.223C>T (NM_002296.3); c.223C>T, p.Arg75Cys (NM_194442.3); short protein forms R75C.
Identifiers: ClinVar variation 1035077 (VCV001035077.10), dbSNP rs553554966, ClinGen allele CA1417534.
Genomic context (GRCh38, chr1:225,422,220, plus strand): 5'-GGGCACTTTTAGGTGGTCGACCAGGGGATCGGGAGCGTGACCTTGATCGACTCCCTCGGC[G>A]TCTGGAAGGGGAACTGGAAGTTGAGCCACCTTTCCTTTGCCTAAAGGAAGTTAAAGGCTA-3'
Protein context (NP_002287.2, residues 65-85): GGSTSSSPSR[Arg75Cys]RGSRSRSRSR